The following is an entry in ClinVar:

NM_000257.4(MYH7):c.2929A>C (p.Asn977His)

Gene: MYH7 (myosin heavy chain 7; minus strand). Cytogenetic location: 14q11.2.
Variant type: single nucleotide variant.
Coding change: c.2929A>C on transcript NM_000257.4 (MANE Select); coding-DNA position 2929, A replaced by C.
Protein change: p.Asn977His; replaces asparagine 977 with histidine.
Molecular consequence: missense variant.
Genome position (GRCh38, 1-based): chr14:23,423,717, T>G on the plus strand (A>C on the coding strand, the complement: MYH7 is on the minus strand). VCF-style: chr14-23423717-T-G. GRCh37 (hg19) VCF-style: chr14-23892926-T-G.
Other names: c.2929A>C, p.Asn977His (NM_001407004.1); short protein forms N977H.
Identifiers: ClinVar variation 5025164 (VCV005025164.1).

ClinVar aggregate classification (germline): Uncertain significance (1 of 4 stars; one submission).

Conditions:
Cardiovascular phenotype. Identifiers: MedGen CN230736.

Submission:

Ambry Genetics
Classification: Uncertain significance for Cardiovascular phenotype. Last evaluated: 2026-07-07. Review status: criteria provided, single submitter. Criteria: Ambry Variant Classification Scheme 2023. Collection method: clinical testing. Allele origin: germline.
Comment: The p.N977H variant (also known as c.2929A>C), located in coding exon 22 of the MYH7 gene, results from an A to C substitution at nucleotide position 2929. The asparagine at codon 977 is replaced by histidine, an amino acid with similar properties. This amino acid position is conserved. In addition, the in silico prediction for this alteration is inconclusive. Based on the available evidence, the clinical significance of this variant remains unclear.